The following is an entry in ClinVar:

NM_015602.4(TOR1AIP1):c.257G>A (p.Arg86Gln)

Genes: TOR1AIP1 (torsin 1A interacting protein 1; plus strand), LOC112577517 (Sharpr-MPRA regulatory region 13766; plus strand). Cytogenetic location: 1q25.2.
Variant type: single nucleotide variant.
Coding change: c.257G>A on transcript NM_015602.4 (MANE Select); coding-DNA position 257, G replaced by A.
Protein change: p.Arg86Gln; replaces arginine 86 with glutamine.
Molecular consequence: missense variant.
Genome position (GRCh38, 1-based): chr1:179,882,759, G>A. VCF-style: chr1-179882759-G-A. GRCh37 (hg19) VCF-style: chr1-179851894-G-A.
Other names: c.257G>A, p.Arg86Gln (NM_001267578.2); short protein forms R86Q.
Identifiers: ClinVar variation 3393761 (VCV003393761.1).
Genomic context (GRCh38, chr1:179,882,759, plus strand): 5'-TGTACGGCGACTTCGAGCCCCTGGTGGCCAAAGAAAGGTCCCCGGTGGGAAAACGAACCC[G>A]GCTAGAAGAGTTCCGGTCCGATTCTGCGAAAGAGGAAGTGAGAGAAAGCGCGTACTACCT-3'
Protein context (NP_056417.2, residues 76-96): KERSPVGKRT[Arg86Gln]LEEFRSDSAK

ClinVar aggregate classification (germline): Uncertain significance (1 of 4 stars; one submission).

Submission:

GeneDx
Classification: Uncertain significance. Last evaluated: 2024-07-02. Review status: criteria provided, single submitter. Criteria: GeneDx Variant Classification Process June 2021. Collection method: clinical testing. Allele origin: germline. Affected: yes.
Comment: Not observed at significant frequency in large population cohorts (gnomAD); In silico analysis indicates that this missense variant does not alter protein structure/function; Has not been previously published as pathogenic or benign to our knowledge